The following is an entry in ClinVar:

ClinVar aggregate classification (germline): Benign/Likely benign. Review status: criteria provided, multiple submitters, no conflicts (2 of 4 stars). 3 submissions from 3 submitters: Benign (2); Likely benign (1). Last evaluated 2022-01-13.

Conditions:
Cleft palate with or without ankyloglossia, X-linked. Identifiers: Orphanet 324601, MedGen C1844830, MONDO:0010560, OMIM 303400.
Abruzzo-Erickson syndrome. Also called: CHARGE like syndrome X-linked. Identifiers: Orphanet 921, MedGen C1844862, MONDO:0010554, OMIM 302905.

Allele frequency attached by ClinVar (database versions not stated): gnomAD exomes 0.00170 and 0.00475; ExAC 0.00638; gnomAD 0.01673 and 0.01780; TOPMed 0.01958; ESP Exome Variant Server 0.01969; 1000 Genomes Project 0.02146; 1000 Genomes Project 30x 0.02268.
gnomAD v4.1: 3,778 of 1,189,492 alleles (0.32%); highest among the groups gnomAD compares: African/African-American, 5.9%; 83 homozygotes.

Submissions (3):

Fulgent Genetics
Classification: Likely benign for Abruzzo-Erickson syndrome; Cleft palate with or without ankyloglossia, X-linked. Last evaluated: 2022-01-13. Review status: criteria provided, single submitter. Criteria: ACMG Guidelines, 2015. Collection method: clinical testing. Allele origin: unknown.

GeneDx
Classification: Benign. Last evaluated: 2020-06-08. Review status: criteria provided, single submitter. Criteria: GeneDx Variant Classification Process June 2021. Collection method: clinical testing. Allele origin: germline. Affected: yes.

Illumina Laboratory Services, Illumina
Classification: Benign for Cleft palate with or without ankyloglossia, X-linked. Last evaluated: 2018-01-13. Review status: criteria provided, single submitter. Criteria: ICSL Variant Classification Criteria 13 December 2019. Collection method: clinical testing. Allele origin: germline.
Comment: This variant was observed in the ICSL laboratory as part of a predisposition screen in an ostensibly healthy population. It had not been previously curated by ICSL or reported in the Human Gene Mutation Database (HGMD: prior to June 1st, 2018), and was therefore a candidate for classification through an automated scoring system. Utilizing variant allele frequency, disease prevalence and penetrance estimates, and inheritance mode, an automated score was calculated to assess if this variant is too frequent to cause the disease. Based on the score and internal cut-off values, a variant classified as benign is not then subjected to further curation. The score for this variant resulted in a classification of benign for this disease.

NM_001109878.2(TBX22):c.949+12T>G

Gene: TBX22 (T-box transcription factor 22). Cytogenetic location: Xq21.1.
Variant type: single nucleotide variant.
Coding change: c.949+12T>G on transcript NM_001109878.2 (MANE Select); 12 bases into the intron after coding-DNA position 949, T replaced by G.
Molecular consequence: intron variant.
Genome position (GRCh38, 1-based): chrX:80,028,088, T>G. VCF-style: chrX-80028088-T-G. GRCh37 (hg19) VCF-style: chrX-79283587-T-G.
Other names: c.589+12T>G (NM_001109879.2, NM_001303475.1); c.949+12T>G (NM_016954.2).
Identifiers: ClinVar variation 368669 (VCV000368669.7), dbSNP rs151121450, ClinGen allele CA10461339.